The following is an entry in ClinVar:

NM_000260.4(MYO7A):c.1531G>A (p.Asp511Asn)

Gene: MYO7A (myosin VIIA; plus strand). Cytogenetic location: 11q13.5.
Variant type: single nucleotide variant.
Coding change: c.1531G>A on transcript NM_000260.4 (MANE Select); coding-DNA position 1531, G replaced by A.
Protein change: p.Asp511Asn; replaces aspartic acid 511 with asparagine.
Molecular consequence: missense variant.
Genome position (GRCh38, 1-based): chr11:77,162,307, G>A. VCF-style: chr11-77162307-G-A. GRCh37 (hg19) VCF-style: chr11-76873353-G-A.
Other names: c.1531G>A, p.Asp511Asn (NM_001127180.2); c.1498G>A, p.Asp500Asn (NM_001369365.1); short protein forms D500N, D511N.
Identifiers: ClinVar variation 3385074 (VCV003385074.2).

ClinVar aggregate classification (germline): Conflicting classifications of pathogenicity. Review status: criteria provided, conflicting classifications (1 of 4 stars). 2 submissions from 2 submitters: Likely pathogenic (1); Uncertain significance (1). Last evaluated 2024-10-25.

Conditions:
Autosomal dominant nonsyndromic hearing loss 11. Identifiers: Orphanet 90635, MedGen C1832475, MONDO:0011032, OMIM 601317.

gnomAD v4.1: 6 of 1,551,846 alleles (0.00039%); highest among the groups gnomAD compares: East Asian, 0.0024%; no homozygotes.

Submissions (2):

Women's Health and Genetics/Laboratory Corporation of America, LabCorp
Classification: Likely pathogenic for Autosomal dominant nonsyndromic hearing loss 11. Last evaluated: 2024-10-25. Review status: criteria provided, single submitter. Criteria: LabCorp Variant Classification Summary - May 2015. Collection method: clinical testing. Allele origin: germline.
Comment: Variant summary: MYO7A c.1531G>A (p.Asp511Asn) results in a conservative amino acid change located in the Myosin head, motor domain-like domain (IPR001609) of the encoded protein sequence. Three of five in-silico tools predict a damaging effect of the variant on protein function. The variant was absent in 156928 control chromosomes. c.1531G>A has been reported in the literature in individuals affected with Autosomal Dominant Nonsyndromic Hearing Loss 11 and segregated with disease in at least one family (Xia_2023). These data indicate that the variant is likely to be associated with disease. To our knowledge, no experimental evidence demonstrating an impact on protein function has been reported. The following publication have been ascertained in the context of this evaluation (PMID: 37727480). No submitters have cited clinical-significance assessments for this variant to ClinVar. Based on the evidence outlined above, the variant was classified as likely pathogenic.

Blueprint Genetics
Classification: Uncertain significance. Last evaluated: 2020-11-06. Review status: criteria provided, single submitter. Criteria: ACMG Guidelines, 2015. Collection method: clinical testing. Allele origin: germline.

Literature cited by the submitters: PubMed 37727480 (cited by Women's Health and Genetics/Laboratory Corporation of America, LabCorp).